The following is an entry in ClinVar:

ClinVar aggregate classification (germline): Uncertain significance (1 of 4 stars; one submission).

Submission:

Labcorp Genetics (formerly Invitae), Labcorp
Classification: Uncertain significance. Last evaluated: 2025-11-28. Review status: criteria provided, single submitter. Criteria: Invitae Variant Classification Sherloc (09022015). Collection method: clinical testing. Allele origin: germline.
Comment: This sequence change replaces alanine, which is neutral and non-polar, with valine, which is neutral and non-polar, at codon 178 of the LEMD3 protein (p.Ala178Val). This variant is not present in population databases (gnomAD no frequency). This variant has not been reported in the literature in individuals affected with LEMD3-related conditions. Invitae Evidence Modeling of protein sequence and biophysical properties (such as structural, functional, and spatial information, amino acid conservation, physicochemical variation, residue mobility, and thermodynamic stability) indicates that this missense variant is not expected to disrupt LEMD3 protein function with a negative predictive value of 80%. In summary, the available evidence is currently insufficient to determine the role of this variant in disease. Therefore, it has been classified as a Variant of Uncertain Significance.

NM_014319.5(LEMD3):c.533C>T (p.Ala178Val)

Gene: LEMD3 (LEM domain containing 3; plus strand). Cytogenetic location: 12q14.3.
Variant type: single nucleotide variant.
Coding change: c.533C>T on transcript NM_014319.5 (MANE Select); coding-DNA position 533, C replaced by T.
Protein change: p.Ala178Val; replaces alanine 178 with valine.
Molecular consequence: missense variant.
Genome position (GRCh38, 1-based): chr12:65,170,129, C>T. VCF-style: chr12-65170129-C-T. GRCh37 (hg19) VCF-style: chr12-65563909-C-T.
Other names: c.533C>T, p.Ala178Val (NM_001167614.2); short protein forms A178V.
Identifiers: ClinVar variation 4769255 (VCV004769255.1).